The following is an entry in ClinVar:

ClinVar aggregate classification (germline): Uncertain significance. Review status: criteria provided, multiple submitters, no conflicts (2 of 4 stars). 2 submissions from 2 submitters: Uncertain significance (2). Last evaluated 2024-08-09.

Conditions:
Autosomal recessive ataxia, Beauce type. Also called: Spinocerebellar ataxia, autosomal recessive 8; ATAXIA, RECESSIVE, OF BEAUCE; SYNE1 Deficiency; SYNE1-Related Autosomal Recessive Cerebellar Ataxia. Identifiers: Orphanet 88644, MedGen C1853116, MONDO:0012549, OMIM 610743.
Emery-Dreifuss muscular dystrophy 4, autosomal dominant (EDMD4). Also called: EMERY-DREIFUSS MUSCULAR DYSTROPHY 4 WITH VARIABLE FEATURES. Identifiers: Orphanet 261, MedGen C2751807, MONDO:0013071, OMIM 612998.

Allele frequency attached by ClinVar (database versions not stated): gnomAD 0.00001; TOPMed 0.00002; ESP Exome Variant Server 0.00008.
gnomAD v4.1: 33 of 1,614,000 alleles (0.002%); highest among the groups gnomAD compares: Non-Finnish European, 0.0025%; no homozygotes.

Submissions (2):

Labcorp Genetics (formerly Invitae), Labcorp
Classification: Uncertain significance for Emery-Dreifuss muscular dystrophy 4, autosomal dominant; Autosomal recessive ataxia, Beauce type. Last evaluated: 2024-08-09. Review status: criteria provided, single submitter. Criteria: Invitae Variant Classification Sherloc (09022015). Collection method: clinical testing. Allele origin: germline.
Comment: This sequence change replaces threonine, which is neutral and polar, with methionine, which is neutral and non-polar, at codon 8411 of the SYNE1 protein (p.Thr8411Met). This variant is present in population databases (rs371112679, gnomAD 0.0009%). This variant has not been reported in the literature in individuals affected with SYNE1-related conditions. ClinVar contains an entry for this variant (Variation ID: 1310119). An algorithm developed to predict the effect of missense changes on protein structure and function outputs the following: PolyPhen-2: "Benign". The methionine amino acid residue is found in multiple mammalian species, which suggests that this missense change does not adversely affect protein function. In summary, the available evidence is currently insufficient to determine the role of this variant in disease. Therefore, it has been classified as a Variant of Uncertain Significance.

GeneDx
Classification: Uncertain significance. Last evaluated: 2019-11-19. Review status: criteria provided, single submitter. Criteria: GeneDx Variant Classification Process June 2021. Collection method: clinical testing. Allele origin: germline. Affected: yes.
Comment: Not observed in large population cohorts and no individuals were reported to be homozygous (Lek et al., 2016); In silico analysis, which includes protein predictors and evolutionary conservation, supports a deleterious effect; Has not been previously published as pathogenic or benign to our knowledge

NM_182961.4(SYNE1):c.25376C>T (p.Thr8459Met)

Gene: SYNE1 (spectrin repeat containing nuclear envelope protein 1; minus strand). Cytogenetic location: 6q25.2.
Variant type: single nucleotide variant.
Coding change: c.25376C>T on transcript NM_182961.4 (MANE Select); coding-DNA position 25376, C replaced by T.
Protein change: p.Thr8459Met; replaces threonine 8459 with methionine.
Molecular consequence: missense variant.
Genome position (GRCh38, 1-based): chr6:152,140,032, G>A on the plus strand (C>T on the coding strand, the complement: SYNE1 is on the minus strand). VCF-style: chr6-152140032-G-A. GRCh37 (hg19) VCF-style: chr6-152461167-G-A.
Other names: c.1982C>T, p.Thr661Met (NM_001347701.2); c.1910C>T, p.Thr637Met (NM_001347702.2); c.25232C>T, p.Thr8411Met (NM_033071.5); short protein forms T637M, T661M, T8411M, T8459M.
Identifiers: ClinVar variation 1310119 (VCV001310119.4), dbSNP rs371112679, ClinGen allele CA4052857.